The following is an entry in ClinVar:

ClinVar aggregate classification (germline): Uncertain significance (0 of 4 stars; one submission).

Conditions:
TRIO-related disorder. Also called: TRIO-related condition; TRIO-related disorders.

Submission:

PreventionGenetics, part of Exact Sciences
Classification: Uncertain significance for TRIO-related condition. Last evaluated: 2024-09-16. Review status: no assertion criteria provided. Collection method: clinical testing. Allele origin: germline.
Comment: The TRIO c.6243G>A variant is not predicted to result in an amino acid change (p.=). This variant is predicted to alter splicing based on available splicing prediction programs (SpliceAI, Jaganathan et al. 2019. PubMed ID: 30661751). To our knowledge, this variant has not been reported in the literature or in gnomAD, indicating this variant is rare. At this time, the clinical significance of this variant is uncertain due to the absence of conclusive functional and genetic evidence.

NM_007118.4(TRIO):c.6243G>A (p.Glu2081=)

Gene: TRIO (trio Rho guanine nucleotide exchange factor; plus strand). Cytogenetic location: 5p15.2.
Variant type: single nucleotide variant.
Coding change: c.6243G>A on transcript NM_007118.4 (MANE Select); coding-DNA position 6243, G replaced by A.
Protein change: p.Glu2081=; no amino-acid change (glutamic acid 2081 retained).
Molecular consequence: synonymous variant. On other transcripts: non-coding transcript variant (1).
Genome position (GRCh38, 1-based): chr5:14,479,350, G>A. VCF-style: chr5-14479350-G-A. GRCh37 (hg19) VCF-style: chr5-14479459-G-A.
Identifiers: ClinVar variation 3345490 (VCV003345490.1).